The following is an entry in ClinVar:

ClinVar aggregate classification (germline): Conflicting classifications of pathogenicity. Review status: criteria provided, conflicting classifications (1 of 4 stars). 2 submissions from 2 submitters: Uncertain significance (1); Likely benign (1). Last evaluated 2024-11-11.

Allele frequency attached by ClinVar (database versions not stated): ExAC 0.00012; ESP Exome Variant Server 0.00016; gnomAD 0.00017 and 0.00019; gnomAD exomes 0.00017; TOPMed 0.00018.
gnomAD v4.1: 645 of 1,614,182 alleles (0.04%); highest among the groups gnomAD compares: Non-Finnish European, 0.052%; no homozygotes.

Submissions (2):

Blueprint Genetics
Classification: Likely benign. Last evaluated: 2024-11-11. Review status: criteria provided, single submitter. Criteria: ACMG Guidelines, 2015. Collection method: clinical testing. Allele origin: germline.

Labcorp Genetics (formerly Invitae), Labcorp
Classification: Uncertain significance. Last evaluated: 2023-11-01. Review status: criteria provided, single submitter. Criteria: Invitae Variant Classification Sherloc (09022015). Collection method: clinical testing. Allele origin: germline.
Comment: This sequence change replaces glutamine, which is neutral and polar, with proline, which is neutral and non-polar, at codon 370 of the HTT protein (p.Gln370Pro). This variant is present in population databases (rs374501542, gnomAD 0.03%). This variant has not been reported in the literature in individuals affected with HTT-related conditions. ClinVar contains an entry for this variant (Variation ID: 1509521). Experimental studies and prediction algorithms are not available or were not evaluated, and the functional significance of this variant is currently unknown. In summary, the available evidence is currently insufficient to determine the role of this variant in disease. Therefore, it has been classified as a Variant of Uncertain Significance.

NM_001388492.1(HTT):c.1103A>C (p.Gln368Pro)

Gene: HTT (huntingtin; plus strand). Cytogenetic location: 4p16.3.
Variant type: single nucleotide variant.
Coding change: c.1103A>C on transcript NM_001388492.1 (MANE Select); coding-DNA position 1103, A replaced by C.
Protein change: p.Gln368Pro; replaces glutamine 368 with proline.
Molecular consequence: missense variant.
Genome position (GRCh38, 1-based): chr4:3,121,262, A>C. VCF-style: chr4-3121262-A-C. GRCh37 (hg19) VCF-style: chr4-3122989-A-C.
Other names: c.1109A>C, p.Gln370Pro (NM_002111.8); short protein forms Q368P, Q370P.
Identifiers: ClinVar variation 1509521 (VCV001509521.7), dbSNP rs374501542, ClinGen allele CA2823443.